The following is an entry in ClinVar:

NM_031443.4(CCM2):c.154C>T (p.Arg52Cys)

Gene: CCM2 (CCM2 scaffold protein; plus strand). Cytogenetic location: 7p13.
Variant type: single nucleotide variant.
Coding change: c.154C>T on transcript NM_031443.4 (MANE Select); coding-DNA position 154, C replaced by T.
Protein change: p.Arg52Cys; replaces arginine 52 with cysteine.
Molecular consequence: missense variant. On other transcripts: non-coding transcript variant (1), intron variant (2).
Genome position (GRCh38, 1-based): chr7:45,038,376, C>T. VCF-style: chr7-45038376-C-T. GRCh37 (hg19) VCF-style: chr7-45077975-C-T.
Other names: c.217C>T, p.Arg73Cys (NM_001029835.2); c.154C>T, p.Arg52Cys (NM_001167935.2, NM_001363458.2); c.31-25542C>T (NM_001363459.2, NM_001167934.2); short protein forms R52C, R73C.
Identifiers: ClinVar variation 4989289 (VCV004989289.1).
Genomic context (GRCh38, chr7:45,038,376, plus strand): 5'-GCCCATGAGAAGGTGACAGAGAGGCGCCCTCTGCACACTGTGGTGTTGTCATTGCCTGAG[C>T]GCGTCGAGCCAGACAGACTGCTGAGCGACTATATTGAGAAGGAGGTAAAGGTAAGTCGTC-3'
Protein context (NP_113631.1, residues 42-62): LHTVVLSLPE[Arg52Cys]VEPDRLLSDY

ClinVar aggregate classification (germline): Uncertain significance (1 of 4 stars; one submission).

Conditions:
CCM2-related disorder. Also called: CCM2-related condition.

gnomAD v4.1: 16 of 1,614,058 alleles (0.00099%); highest among the groups gnomAD compares: South Asian, 0.0066%; no homozygotes.

Submission:

PreventionGenetics, part of Exact Sciences
Classification: Uncertain significance for CCM2-related condition. Last evaluated: 2026-08-05. Review status: criteria provided, single submitter. Criteria: ACMG Guidelines, 2015. Collection method: clinical testing. Allele origin: germline.
Comment: The CCM2 c.154C>T variant is predicted to result in the amino acid substitution p.Arg52Cys. To our knowledge, this variant has not been reported in the literature. This variant is reported in 0.0098% of alleles in individuals of South Asian descent in gnomAD. At this time, the clinical significance of this variant is uncertain due to the absence of conclusive functional and genetic evidence.